The following is an entry in ClinVar:

ClinVar aggregate classification (germline): Uncertain significance (1 of 4 stars; one submission).

Conditions:
Intellectual developmental disorder, autosomal dominant 6, with or without seizures. Also called: GRIN2B-related developmental delay, intellectual disability and autism spectrum disorder; Intellectual disability, autosomal dominant 6. Identifiers: Orphanet 589547, MedGen C3151411, MONDO:0013509, OMIM 613970.
Developmental and epileptic encephalopathy, 27 (DEE27). Also called: GRIN2B-Related Neurodevelopmental Disorder; Epileptic encephalopathy, early infantile, 27. Identifiers: Orphanet 3451, MedGen C4015316, MONDO:0014505, OMIM 616139.

Submission:

Labcorp Genetics (formerly Invitae), Labcorp
Classification: Uncertain significance for Developmental and epileptic encephalopathy, 27; Intellectual developmental disorder, autosomal dominant 6, with or without seizures. Last evaluated: 2026-01-28. Review status: criteria provided, single submitter. Criteria: Invitae Variant Classification Sherloc (09022015). Collection method: clinical testing. Allele origin: germline.
Comment: This sequence change replaces alanine, which is neutral and non-polar, with threonine, which is neutral and polar, at codon 1195 of the GRIN2B protein (p.Ala1195Thr). This variant is not present in population databases (gnomAD no frequency). This variant has not been reported in the literature in individuals affected with GRIN2B-related conditions. ClinVar contains an entry for this variant (Variation ID: 1382674). Invitae Evidence Modeling of protein sequence and biophysical properties (such as structural, functional, and spatial information, amino acid conservation, physicochemical variation, residue mobility, and thermodynamic stability) indicates that this missense variant is not expected to disrupt GRIN2B protein function with a negative predictive value of 95%. In summary, the available evidence is currently insufficient to determine the role of this variant in disease. Therefore, it has been classified as a Variant of Uncertain Significance.

NM_000834.5(GRIN2B):c.3583G>A (p.Ala1195Thr)

Gene: GRIN2B (glutamate ionotropic receptor NMDA type subunit 2B; minus strand). Cytogenetic location: 12p13.1.
Variant type: single nucleotide variant.
Coding change: c.3583G>A on transcript NM_000834.5 (MANE Select); coding-DNA position 3583, G replaced by A.
Protein change: p.Ala1195Thr; replaces alanine 1195 with threonine.
Molecular consequence: missense variant.
Genome position (GRCh38, 1-based): chr12:13,563,655, C>T on the plus strand (G>A on the coding strand, the complement: GRIN2B is on the minus strand). VCF-style: chr12-13563655-C-T. GRCh37 (hg19) VCF-style: chr12-13716589-C-T.
Other names: short protein forms A1195T.
Identifiers: ClinVar variation 1382674 (VCV001382674.8), dbSNP rs1455731420, ClinGen allele CA383988281.
Genomic context (GRCh38, chr12:13,563,655, plus strand): 5'-AGAAGTTGCCCCCGGACCGGTCCTCCCACTCCACGTTGGTCAGGTTCTTCTCCCAAGGTG[C>T]AGGTACCCCGCTGACCACGCCGTGTTTGTCGCCCGTCCCGTGCTTGATGTGAGACCTGTT-3'
Protein context (NP_000825.2, residues 1185-1205): DKHGVVSGVP[Ala1195Thr]PWEKNLTNVE